The following is an entry in ClinVar:

NM_138576.4(BCL11B):c.533C>T (p.Pro178Leu)

Gene: BCL11B (BCL11 transcription factor B; minus strand). Cytogenetic location: 14q32.2.
Variant type: single nucleotide variant.
Coding change: c.533C>T on transcript NM_138576.4 (MANE Select); coding-DNA position 533, C replaced by T.
Protein change: p.Pro178Leu; replaces proline 178 with leucine.
Molecular consequence: missense variant. On other transcripts: intron variant (2).
Genome position (GRCh38, 1-based): chr14:99,231,452, G>A on the plus strand (C>T on the coding strand, the complement: BCL11B is on the minus strand). VCF-style: chr14-99231452-G-A. GRCh37 (hg19) VCF-style: chr14-99697789-G-A.
Other names: c.530C>T, p.Pro177Leu (NM_001282237.2); c.424+26019C>T (NM_001282238.2); c.427+26019C>T (NM_022898.3); short protein forms P178L, P177L.
Identifiers: ClinVar variation 2905245 (VCV002905245.10), dbSNP rs777536580, ClinGen allele CA7339868.

ClinVar aggregate classification (germline): Conflicting classifications of pathogenicity. Review status: criteria provided, conflicting classifications (1 of 4 stars). 2 submissions from 2 submitters: Uncertain significance (1); Likely benign (1). Last evaluated 2026-01-22.

Allele frequency attached by ClinVar (database versions not stated): gnomAD exomes 0.00001; ExAC 0.00002.
gnomAD v4.1: 3 of 1,598,250 alleles (0.00019%); highest among the groups gnomAD compares: Admixed American, 0.0051%; no homozygotes.

Submissions (2):

Labcorp Genetics (formerly Invitae), Labcorp
Classification: Uncertain significance. Last evaluated: 2026-01-22. Review status: criteria provided, single submitter. Criteria: Invitae Variant Classification Sherloc (09022015). Collection method: clinical testing. Allele origin: germline.
Comment: This sequence change replaces proline, which is neutral and non-polar, with leucine, which is neutral and non-polar, at codon 178 of the BCL11B protein (p.Pro178Leu). This variant is present in population databases (rs777536580, gnomAD 0.009%). This variant has not been reported in the literature in individuals affected with BCL11B-related conditions. ClinVar contains an entry for this variant (Variation ID: 2905245). Invitae Evidence Modeling of protein sequence and biophysical properties (such as structural, functional, and spatial information, amino acid conservation, physicochemical variation, residue mobility, and thermodynamic stability) indicates that this missense variant is not expected to disrupt BCL11B protein function with a negative predictive value of 95%. In summary, the available evidence is currently insufficient to determine the role of this variant in disease. Therefore, it has been classified as a Variant of Uncertain Significance.

CeGaT Center for Human Genetics Tuebingen
Classification: Likely benign. Last evaluated: 2025-09-01. Review status: criteria provided, single submitter. Criteria: CeGaT Center For Human Genetics Tuebingen Variant Classification Criteria Version 2. Collection method: clinical testing. Allele origin: germline. Affected: yes. Observed: 1 variant allele.
Comment: BCL11B: BP4